The following is an entry in ClinVar:

ClinVar aggregate classification (germline): Likely pathogenic (1 of 4 stars; one submission).

Allele frequency attached by ClinVar (database versions not stated): ESP Exome Variant Server 0.00008.

Submission:

GeneDx
Classification: Likely pathogenic. Last evaluated: 2022-12-02. Review status: criteria provided, single submitter. Criteria: GeneDx Variant Classification Process June 2021. Collection method: clinical testing. Allele origin: germline. Affected: yes.
Comment: Not observed at significant frequency in large population cohorts (gnomAD); In silico analysis supports that this missense variant does not alter protein structure/function; Has not been previously published as pathogenic or benign to our knowledge

NM_000937.5(POLR2A):c.706C>G (p.Leu236Val)

Gene: POLR2A (RNA polymerase II subunit A; plus strand). Cytogenetic location: 17p13.1.
Variant type: single nucleotide variant.
Coding change: c.706C>G on transcript NM_000937.5 (MANE Select); coding-DNA position 706, C replaced by G.
Protein change: p.Leu236Val; replaces leucine 236 with valine.
Molecular consequence: missense variant.
Genome position (GRCh38, 1-based): chr17:7,496,932, C>G. VCF-style: chr17-7496932-C-G. GRCh37 (hg19) VCF-style: chr17-7400251-C-G.
Other names: short protein forms L236V.
Identifiers: ClinVar variation 1802041 (VCV001802041.1), dbSNP rs148413593, ClinGen allele CA8349249.
Genomic context (GRCh38, chr17:7,496,932, plus strand): 5'-CTGAGTCCAGAGCGAGTGCATGAGATCTTCAAACGCATCTCAGATGAGGAGTGTTTTGTG[C>G]TGGGCATGGAGCCCCGCTATGCACGGCCAGAGTGGATGATTGTCACAGTGCTGCCTGTGC-3'
Protein context (NP_000928.1, residues 226-246): KRISDEECFV[Leu236Val]GMEPRYARPE